The following is an entry in ClinVar:

NM_000444.6(PHEX):c.1112T>A (p.Val371Asp)

Gene: PHEX (phosphate regulating endopeptidase X-linked; plus strand). Cytogenetic location: Xp22.11.
Variant type: single nucleotide variant.
Coding change: c.1112T>A on transcript NM_000444.6 (MANE Select); coding-DNA position 1112, T replaced by A.
Protein change: p.Val371Asp; replaces valine 371 with aspartic acid.
Molecular consequence: missense variant.
Genome position (GRCh38, 1-based): chrX:22,111,499, T>A. VCF-style: chrX-22111499-T-A. GRCh37 (hg19) VCF-style: chrX-22129617-T-A.
Other names: c.1112T>A, p.Val371Asp (NM_001282754.2); short protein forms V371D.
Identifiers: ClinVar variation 4711340 (VCV004711340.1).

ClinVar aggregate classification (germline): Uncertain significance (1 of 4 stars; one submission).

Submission:

Labcorp Genetics (formerly Invitae), Labcorp
Classification: Uncertain significance. Last evaluated: 2025-05-07. Review status: criteria provided, single submitter. Criteria: Invitae Variant Classification Sherloc (09022015). Collection method: clinical testing. Allele origin: germline.
Comment: This sequence change replaces valine, which is neutral and non-polar, with aspartic acid, which is acidic and polar, at codon 371 of the PHEX protein (p.Val371Asp). This variant is not present in population databases (gnomAD no frequency). This variant has not been reported in the literature in individuals affected with PHEX-related conditions. Invitae Evidence Modeling of protein sequence and biophysical properties (such as structural, functional, and spatial information, amino acid conservation, physicochemical variation, residue mobility, and thermodynamic stability) indicates that this missense variant is expected to disrupt PHEX protein function with a positive predictive value of 80%. In summary, the available evidence is currently insufficient to determine the role of this variant in disease. Therefore, it has been classified as a Variant of Uncertain Significance.